The following is an entry in ClinVar:

NM_152383.5(DIS3L2):c.2438_2446dup (p.Glu815_Leu816insGlnProGlu)

Gene: DIS3L2 (DIS3 like 3'-5' exoribonuclease 2; plus strand). Cytogenetic location: 2q37.1.
Variant type: Duplication.
Coding change: c.2438_2446dup on transcript NM_152383.5 (MANE Select); coding-DNA positions 2438 to 2446, 9 bases duplicated (AGCCGGAAC; older notation c.2438_2446dupAGCCGGAAC).
Protein change: p.Glu815_Leu816insGlnProGlu.
Molecular consequence: inframe insertion. On other transcripts: non-coding transcript variant (2), intron variant (1).
Genome position (GRCh38, 1-based): chr2:232,335,816-232,335,824, AGCCGGAAC duplicated. VCF-style (leftmost placement, unchanged base first): chr2-232335815-A-AAGCCGGAAC. GRCh37 (hg19) VCF-style: chr2-233200525-A-AAGCCGGAAC.
Other names: c.1582-7529_1582-7521dup (NM_001257281.2).
Identifiers: ClinVar variation 998684 (VCV000998684.8), dbSNP rs1695925294, ClinGen allele CA1335215813.

ClinVar aggregate classification (germline): Uncertain significance (1 of 4 stars; one submission).

Conditions:
Perlman syndrome (PRLMNS). Identifiers: Orphanet 2849, MedGen C0796113, MONDO:0009965, OMIM 267000.

Submission:

Labcorp Genetics (formerly Invitae), Labcorp
Classification: Uncertain significance for Perlman syndrome. Last evaluated: 2021-03-14. Review status: criteria provided, single submitter. Criteria: Invitae Variant Classification Sherloc (09022015). Collection method: clinical testing. Allele origin: germline.
Comment: This variant is not present in population databases (ExAC no frequency). In summary, the available evidence is currently insufficient to determine the role of this variant in disease. Therefore, it has been classified as a Variant of Uncertain Significance. Experimental studies and prediction algorithms are not available or were not evaluated, and the functional significance of this variant is currently unknown. This variant has not been reported in the literature in individuals with DIS3L2-related conditions. This variant, c.2438_2446dup, results in the insertion of 3 amino acid(s) to the DIS3L2 protein (p.Glu815_Leu816insGlnProGlu), but otherwise preserves the integrity of the reading frame.